The following is an entry in ClinVar:

ClinVar aggregate classification (germline): Uncertain significance (1 of 4 stars; one submission).

Allele frequency attached by ClinVar (database versions not stated): TOPMed below 0.00001; ExAC 0.00002; gnomAD 0.00002.
gnomAD v4.1: 17 of 1,613,518 alleles (0.0011%); highest among the groups gnomAD compares: Non-Finnish European, 0.0013%; no homozygotes.

Submission:

Labcorp Genetics (formerly Invitae), Labcorp
Classification: Uncertain significance. Last evaluated: 2023-10-12. Review status: criteria provided, single submitter. Criteria: Invitae Variant Classification Sherloc (09022015). Collection method: clinical testing. Allele origin: germline.
Comment: This sequence change replaces arginine, which is basic and polar, with glutamine, which is neutral and polar, at codon 3855 of the PCLO protein (p.Arg3855Gln). This variant is present in population databases (rs768809780, gnomAD 0.006%). This variant has not been reported in the literature in individuals affected with PCLO-related conditions. ClinVar contains an entry for this variant (Variation ID: 2198257). Experimental studies and prediction algorithms are not available or were not evaluated, and the functional significance of this variant is currently unknown. In summary, the available evidence is currently insufficient to determine the role of this variant in disease. Therefore, it has been classified as a Variant of Uncertain Significance.

NM_033026.6(PCLO):c.11564G>A (p.Arg3855Gln)

Gene: PCLO (piccolo presynaptic cytomatrix protein; minus strand). Cytogenetic location: 7q21.11.
Variant type: single nucleotide variant.
Coding change: c.11564G>A on transcript NM_033026.6 (MANE Select); coding-DNA position 11564, G replaced by A.
Protein change: p.Arg3855Gln; replaces arginine 3855 with glutamine.
Molecular consequence: missense variant.
Genome position (GRCh38, 1-based): chr7:82,916,422, C>T on the plus strand (G>A on the coding strand, the complement: PCLO is on the minus strand). VCF-style: chr7-82916422-C-T. GRCh37 (hg19) VCF-style: chr7-82545738-C-T.
Other names: c.11564G>A, p.Arg3855Gln (NM_014510.3); short protein forms R3855Q.
Identifiers: ClinVar variation 2198257 (VCV002198257.4), dbSNP rs768809780, ClinGen allele CA4319539.